The following is an entry in ClinVar:

NM_014946.4(SPAST):c.20G>C (p.Arg7Pro)

Gene: SPAST (spastin; plus strand). Cytogenetic location: 2p22.3.
Variant type: single nucleotide variant.
Coding change: c.20G>C on transcript NM_014946.4 (MANE Select); coding-DNA position 20, G replaced by C.
Protein change: p.Arg7Pro; replaces arginine 7 with proline.
Molecular consequence: missense variant.
Genome position (GRCh38, 1-based): chr2:32,063,851, G>C. VCF-style: chr2-32063851-G-C. GRCh37 (hg19) VCF-style: chr2-32288920-G-C.
Other names: c.20G>C, p.Arg7Pro (NM_001363823.2, NM_001363875.2, NM_001377959.1 and 1 more transcripts); short protein forms R7P.
Identifiers: ClinVar variation 1384983 (VCV001384983.8), dbSNP rs750900931, ClinGen allele CA1600456.

ClinVar aggregate classification (germline): Uncertain significance (1 of 4 stars; one submission).

Conditions:
Hereditary spastic paraplegia 4. Also called: Familial spastic paraplegia autosomal dominant 2; Spastic paraplegia 4, autosomal dominant; Spastic Paraplegia 4. Identifiers: Orphanet 100985, MedGen C1866855, MONDO:0008438, OMIM 182601.

Allele frequency attached by ClinVar (database versions not stated): TOPMed below 0.00001; gnomAD 0.00001.
gnomAD v4.1: 6 of 1,581,606 alleles (0.00038%); highest among the groups gnomAD compares: Non-Finnish European, 0.00051%; no homozygotes.

Submission:

Labcorp Genetics (formerly Invitae), Labcorp
Classification: Uncertain significance for Hereditary spastic paraplegia 4. Last evaluated: 2021-12-02. Review status: criteria provided, single submitter. Criteria: Invitae Variant Classification Sherloc (09022015). Collection method: clinical testing. Allele origin: germline.
Comment: In summary, the available evidence is currently insufficient to determine the role of this variant in disease. Therefore, it has been classified as a Variant of Uncertain Significance. Algorithms developed to predict the effect of missense changes on protein structure and function are either unavailable or do not agree on the potential impact of this missense change (SIFT: "Tolerated"; PolyPhen-2: "Not Available"; Align-GVGD: "Class C0"). This variant has not been reported in the literature in individuals affected with SPAST-related conditions. The frequency data for this variant in the population databases is considered unreliable, as metrics indicate poor data quality at this position in the gnomAD database. This sequence change replaces arginine, which is basic and polar, with proline, which is neutral and non-polar, at codon 7 of the SPAST protein (p.Arg7Pro).